The following is an entry in ClinVar:

ClinVar aggregate classification (germline): Pathogenic (1 of 4 stars; one submission).

Allele frequency attached by ClinVar (database versions not stated): ExAC 0.00001; gnomAD 0.00001; gnomAD exomes 0.00001; 1000 Genomes Project 0.00020; 1000 Genomes Project 30x 0.00031.
gnomAD v4.1: 2 of 1,614,014 alleles (0.00012%); highest among the groups gnomAD compares: Admixed American, 0.0033%; no homozygotes.

Submission:

Labcorp Genetics (formerly Invitae), Labcorp
Classification: Pathogenic. Last evaluated: 2023-11-12. Review status: criteria provided, single submitter. Criteria: Invitae Variant Classification Sherloc (09022015). Collection method: clinical testing. Allele origin: germline.
Comment: This sequence change creates a premature translational stop signal (p.Trp1127*) in the CUL7 gene. It is expected to result in an absent or disrupted protein product. Loss-of-function variants in CUL7 are known to be pathogenic (PMID: 16142236, 17675530, 19225462). This variant is present in population databases (rs184458742, gnomAD 0.003%). This variant has not been reported in the literature in individuals affected with CUL7-related conditions. ClinVar contains an entry for this variant (Variation ID: 1403109). For these reasons, this variant has been classified as Pathogenic.

Literature cited by the submitters: PubMed 16142236; PubMed 17675530; PubMed 19225462.

NM_014780.5(CUL7):c.3380G>A (p.Trp1127Ter)

Gene: CUL7 (cullin 7; minus strand). Cytogenetic location: 6p21.1.
Variant type: single nucleotide variant.
Coding change: c.3380G>A on transcript NM_014780.5 (MANE Select); coding-DNA position 3380, G replaced by A.
Protein change: p.Trp1127Ter; replaces tryptophan 1127 with a stop codon.
Molecular consequence: nonsense.
Genome position (GRCh38, 1-based): chr6:43,043,156, C>T on the plus strand (G>A on the coding strand, the complement: CUL7 is on the minus strand). VCF-style: chr6-43043156-C-T. GRCh37 (hg19) VCF-style: chr6-43010894-C-T.
Other names: c.3476G>A, p.Trp1159Ter (NM_001168370.2, NM_001374872.1); c.3380G>A, p.Trp1127Ter (NM_001374873.1); c.3377G>A, p.Trp1126Ter (NM_001374874.1); short protein forms W1126*, W1127*, W1159*.
Identifiers: ClinVar variation 1403109 (VCV001403109.6), dbSNP rs184458742, ClinGen allele CA3813506.
Genomic context (GRCh38, chr6:43,043,156, plus strand): 5'-CAACAGCGCGTCAGGTTTCTCATGATGCTGCTTGGAAGGCCCCGGGTAGCCAAGGAGCTC[C>T]AGTCGTGGCTTCTGTTTCTGCCTTCTGTAGAGACCAAGAAAGTGGCAGAGGCAAGGAGGG-3'